The following is an entry in ClinVar:

NM_003072.5(SMARCA4):c.743A>G (p.Asn248Ser)

Gene: SMARCA4 (SWI/SNF related BAF chromatin remodeling complex subunit ATPase 4; plus strand). Cytogenetic location: 19p13.2.
Variant type: single nucleotide variant.
Coding change: c.743A>G on transcript NM_003072.5 (MANE Select); coding-DNA position 743, A replaced by G.
Protein change: p.Asn248Ser; replaces asparagine 248 with serine.
Molecular consequence: missense variant. On other transcripts: non-coding transcript variant (1).
Genome position (GRCh38, 1-based): chr19:10,986,576, A>G. VCF-style: chr19-10986576-A-G. GRCh37 (hg19) VCF-style: chr19-11097252-A-G.
Other names: c.743A>G, p.Asn248Ser (NM_001128844.3, NM_001128845.2, NM_001128846.2 and 5 more transcripts); short protein forms N248S.
Identifiers: ClinVar variation 565714 (VCV000565714.12), dbSNP rs1568423807, ClinGen allele CA404057269.
Genomic context (GRCh38, chr19:10,986,576, plus strand): 5'-CAGGACCCGGCCCTGGCCCTGGCCCTGGCCCCGGCCCGGGTCCCGGCCCGGCACCTCCAA[A>G]TTACAGCAGGCCTCATGGTAAGACTGGCTGCCCTGGCCCTCAGGTGTCTCAGAGCGAATG-3'
Protein context (NP_003063.2, residues 238-258): PGPGPGPAPP[Asn248Ser]YSRPHGMGGP

ClinVar aggregate classification (germline): Conflicting classifications of pathogenicity. Review status: criteria provided, conflicting classifications (1 of 4 stars). 2 submissions from 2 submitters: Uncertain significance (1); Likely benign (1). Last evaluated 2025-02-25.

Conditions:
Hereditary cancer-predisposing syndrome. Also called: Hereditary neoplastic syndrome; Neoplastic Syndromes, Hereditary; Tumor predisposition; Hereditary Cancer Syndrome. Identifiers: Orphanet 140162, MedGen C0027672, MeSH D009386, MONDO:0015356.
Rhabdoid tumor predisposition syndrome 2 (RTPS2). Identifiers: Orphanet 231108, Orphanet 69077, MedGen C2750074, MONDO:0013224, OMIM 613325.

Submissions (2):

Ambry Genetics
Classification: Likely benign for Hereditary cancer-predisposing syndrome. Last evaluated: 2025-02-25. Review status: criteria provided, single submitter. Criteria: Ambry Variant Classification Scheme 2023. Collection method: clinical testing. Allele origin: germline.

Labcorp Genetics (formerly Invitae), Labcorp
Classification: Uncertain significance for Rhabdoid tumor predisposition syndrome 2. Last evaluated: 2024-11-20. Review status: criteria provided, single submitter. Criteria: Invitae Variant Classification Sherloc (09022015). Collection method: clinical testing. Allele origin: germline.
Comment: This sequence change replaces asparagine, which is neutral and polar, with serine, which is neutral and polar, at codon 248 of the SMARCA4 protein (p.Asn248Ser). This variant is not present in population databases (gnomAD no frequency). This variant has not been reported in the literature in individuals affected with SMARCA4-related conditions. ClinVar contains an entry for this variant (Variation ID: 565714). Invitae Evidence Modeling of protein sequence and biophysical properties (such as structural, functional, and spatial information, amino acid conservation, physicochemical variation, residue mobility, and thermodynamic stability) indicates that this missense variant is not expected to disrupt SMARCA4 protein function with a negative predictive value of 95%. In summary, the available evidence is currently insufficient to determine the role of this variant in disease. Therefore, it has been classified as a Variant of Uncertain Significance.